The following is an entry in ClinVar:

NM_000018.4(ACADVL):c.1348C>T (p.Arg450Cys)

Gene: ACADVL (acyl-CoA dehydrogenase very long chain; plus strand). Cytogenetic location: 17p13.1.
Variant type: single nucleotide variant.
Coding change: c.1348C>T on transcript NM_000018.4 (MANE Select); coding-DNA position 1348, C replaced by T.
Protein change: p.Arg450Cys; replaces arginine 450 with cysteine.
Molecular consequence: missense variant.
Genome position (GRCh38, 1-based): chr17:7,223,983, C>T. VCF-style: chr17-7223983-C-T. GRCh37 (hg19) VCF-style: chr17-7127302-C-T.
Other names: c.1282C>T, p.Arg428Cys (NM_001033859.3); c.1417C>T, p.Arg473Cys (NM_001270447.2); c.1120C>T, p.Arg374Cys (NM_001270448.2); short protein forms R374C, R450C, R473C, R428C.
Identifiers: ClinVar variation 3016559 (VCV003016559.3), dbSNP rs767849841, ClinGen allele CA287439664.

ClinVar aggregate classification (germline): Pathogenic (1 of 4 stars; one submission).

Conditions:
Very long chain acyl-CoA dehydrogenase deficiency (ACADVLD). Also called: Very Long-Chain Acyl-Coenzyme A Dehydrogenase Deficiency; VLCAD Deficiency. Identifiers: Orphanet 26793, MedGen C3887523, MONDO:0008723, OMIM 201475.

Allele frequency attached by ClinVar (database versions not stated): gnomAD exomes below 0.00001.
gnomAD v4.1: 1 of 1,613,586 alleles (0.000062%); highest among the groups gnomAD compares: Non-Finnish European, 0.000085%; no homozygotes.

Submission:

Labcorp Genetics (formerly Invitae), Labcorp
Classification: Pathogenic for Very long chain acyl-CoA dehydrogenase deficiency. Last evaluated: 2025-02-24. Review status: criteria provided, single submitter. Criteria: Invitae Variant Classification Sherloc (09022015). Collection method: clinical testing. Allele origin: germline.
Comment: This sequence change replaces arginine, which is basic and polar, with cysteine, which is neutral and slightly polar, at codon 450 of the ACADVL protein (p.Arg450Cys). This variant is not present in population databases (gnomAD no frequency). This missense change has been observed in individual(s) with clinical features of autosomal recessive very long chain acyl-CoA dehydrogenase (VLCAD) deficiency (internal data). In at least one individual the data is consistent with being in trans (on the opposite chromosome) from a pathogenic variant. ClinVar contains an entry for this variant (Variation ID: 3016559). Invitae Evidence Modeling of protein sequence and biophysical properties (such as structural, functional, and spatial information, amino acid conservation, physicochemical variation, residue mobility, and thermodynamic stability) indicates that this missense variant is expected to disrupt ACADVL protein function with a positive predictive value of 80%. This variant disrupts the p.Arg450 amino acid residue in ACADVL. Other variant(s) that disrupt this residue have been determined to be pathogenic (PMID: 9546340, 11158518, 15210884, 24801231). This suggests that this residue is clinically significant, and that variants that disrupt this residue are likely to be disease-causing. For these reasons, this variant has been classified as Pathogenic.

Literature cited by the submitters: PubMed 9546340; PubMed 11158518; PubMed 15210884; PubMed 24801231.